The following is an entry in ClinVar:

NM_000836.4(GRIN2D):c.3772G>C (p.Gly1258Arg)

Gene: GRIN2D (glutamate ionotropic receptor NMDA type subunit 2D; plus strand). Cytogenetic location: 19q13.33.
Variant type: single nucleotide variant.
Coding change: c.3772G>C on transcript NM_000836.4 (MANE Select); coding-DNA position 3772, G replaced by C.
Protein change: p.Gly1258Arg; replaces glycine 1258 with arginine.
Molecular consequence: missense variant.
Genome position (GRCh38, 1-based): chr19:48,443,698, G>C. VCF-style: chr19-48443698-G-C. GRCh37 (hg19) VCF-style: chr19-48946955-G-C.
Other names: short protein forms G1258R.
Identifiers: ClinVar variation 1710564 (VCV001710564.2), dbSNP rs1971339899, ClinGen allele CA406678142.

ClinVar aggregate classification (germline): Uncertain significance (1 of 4 stars; one submission).

Submission:

GeneDx
Classification: Uncertain significance. Last evaluated: 2022-04-12. Review status: criteria provided, single submitter. Criteria: GeneDx Variant Classification Process June 2021. Collection method: clinical testing. Allele origin: germline. Affected: yes.
Comment: Not observed at significant frequency in large population cohorts (gnomAD); In silico analysis supports that this missense variant does not alter protein structure/function; Has not been previously published as pathogenic or benign to our knowledge